The following is an entry in ClinVar:

ClinVar aggregate classification (germline): Uncertain significance (1 of 4 stars; one submission).

Allele frequency attached by ClinVar (database versions not stated): gnomAD exomes below 0.00001.
gnomAD v4.1: 1 of 1,614,158 alleles (0.000062%); highest among the groups gnomAD compares: Admixed American, 0.0017%; no homozygotes.

Submission:

Labcorp Genetics (formerly Invitae), Labcorp
Classification: Uncertain significance. Last evaluated: 2022-11-22. Review status: criteria provided, single submitter. Criteria: Invitae Variant Classification Sherloc (09022015). Collection method: clinical testing. Allele origin: germline.
Comment: This sequence change replaces alanine, which is neutral and non-polar, with glycine, which is neutral and non-polar, at codon 719 of the AGBL5 protein (p.Ala719Gly). In summary, the available evidence is currently insufficient to determine the role of this variant in disease. Therefore, it has been classified as a Variant of Uncertain Significance. Algorithms developed to predict the effect of missense changes on protein structure and function (SIFT, PolyPhen-2, Align-GVGD) all suggest that this variant is likely to be tolerated. ClinVar contains an entry for this variant (Variation ID: 1474103). This variant has not been reported in the literature in individuals affected with AGBL5-related conditions. This variant is present in population databases (no rsID available, gnomAD 0.003%).

NM_021831.6(AGBL5):c.2156C>G (p.Ala719Gly)

Gene: AGBL5 (AGBL carboxypeptidase 5; plus strand). Cytogenetic location: 2p23.3.
Variant type: single nucleotide variant.
Coding change: c.2156C>G on transcript NM_021831.6 (MANE Select); coding-DNA position 2156, C replaced by G.
Protein change: p.Ala719Gly; replaces alanine 719 with glycine.
Molecular consequence: missense variant. On other transcripts: non-coding transcript variant (2).
Genome position (GRCh38, 1-based): chr2:27,067,560, C>G. VCF-style: chr2-27067560-C-G. GRCh37 (hg19) VCF-style: chr2-27290428-C-G.
Other names: short protein forms A719G.
Identifiers: ClinVar variation 1474103 (VCV001474103.8), dbSNP rs1032159581, ClinGen allele CA44459446.